The following is an entry in ClinVar:

NM_003194.5(TBP):c.231del (p.Gln77fs)

Genes: TBP (TATA-box binding protein; plus strand), LOC108663996 (TATA-box binding protein repeat instability region; plus strand). Cytogenetic location: 6q27.
Variant type: Deletion.
Coding change: c.231del on transcript NM_003194.5 (MANE Select); coding-DNA position 231, one base deleted (G; older notation c.231delG).
Protein change: p.Gln77fs; shifts the reading frame from glutamine 77.
Molecular consequence: frameshift variant.
Genome position (GRCh38, 1-based): chr6:170,561,967, G deleted. VCF-style (leftmost placement, unchanged base first): chr6-170561966-AG-A. GRCh37 (hg19) VCF-style: chr6-170871054-AG-A.
Other names: p.Gln77Hisfs*67; c.171del, p.Gln57fs (NM_001172085.2); short protein forms Q57fs, Q77fs.
Identifiers: ClinVar variation 3065444 (VCV003065444.7), dbSNP rs770128377, ClinGen allele CA4108310.
Genomic context (GRCh38, chr6:170,561,966, plus strand): 5'-GGCAGCAGCAGCAACAACAACAGCAGCAGCAGCAGCAGCAGCAGCAACAGCAACAGCAGC[AG>A]CAGCAGCAGCAGCAGCAGCAGCAGCAGCAGCAGCAGCAGCAGCAGCAGCAACAGGCAGTG-3'

ClinVar aggregate classification (germline): Benign/Likely benign. Review status: criteria provided, multiple submitters, no conflicts (2 of 4 stars). 5 submissions from 5 submitters: Benign (3); Likely benign (2). Last evaluated 2025-02-16.

Conditions:
Parkinson disease, late-onset (PD). Also called: Hereditary late onset Parkinson disease; Susceptibility to Parkinson's Disease; PARKINSON DISEASE, LATE-ONSET, SUSCEPTIBILITY TO. Identifiers: Orphanet 411602, MedGen C3160718, MONDO:0008199, OMIM 168600.
Spinocerebellar ataxia type 17 (SCA17). Also called: HUNTINGTON DISEASE-LIKE 4; Olivopontocerebellar atrophy V; Olivopontocerebellar atrophy 5; Cerebelloparenchymal disorder II; Spinocerebellar Ataxia Type17. Identifiers: Orphanet 98759, MedGen C1846707, MONDO:0011781, OMIM 607136.

Allele frequency attached by ClinVar (database versions not stated): ExAC 0.00368; gnomAD exomes 0.08515; gnomAD 0.12929 and 0.13566.

Submissions (5):

Laboratory of Genetics, Children's Clinical University Hospital Latvia
Classification: Benign. Last evaluated: 2025-02-16. Review status: criteria provided, single submitter. Criteria: ACMG Guidelines, 2015. Collection method: clinical testing. Allele origin: germline. Affected: yes.

Blueprint Genetics
Classification: Likely benign. Last evaluated: 2024-11-27. Review status: criteria provided, single submitter. Criteria: ACMG Guidelines, 2015. Collection method: clinical testing. Allele origin: germline.

Genomic Medicine Center of Excellence, King Faisal Specialist Hospital and Research Centre
Classification: Likely benign. Last evaluated: 2024-03-26. Review status: criteria provided, single submitter. Criteria: ACMG Guidelines, 2015. Collection method: clinical testing. Allele origin: germline.

Department of Pathology and Laboratory Medicine, Sinai Health System
Classification: Benign for Spinocerebellar ataxia type 17. Last evaluated: 2023-04-17. Review status: criteria provided, single submitter. Criteria: ACMG Guidelines, 2015. Collection method: research. Allele origin: germline.

Mayo Clinic Laboratories, Mayo Clinic
Classification: Benign. Last evaluated: 2023-01-11. Review status: criteria provided, single submitter. Criteria: ACMG Guidelines, 2015. Collection method: clinical testing. Allele origin: germline. Observed: 201 variant alleles.
Comment: BS1, BS2